The following is an entry in ClinVar:

ClinVar aggregate classification (germline): Uncertain significance (1 of 4 stars; one submission).

Allele frequency attached by ClinVar (database versions not stated): TOPMed below 0.00001.
gnomAD v4.1: 3 of 1,603,942 alleles (0.00019%); highest among the groups gnomAD compares: African/African-American, 0.004%; no homozygotes.

Submission:

Labcorp Genetics (formerly Invitae), Labcorp
Classification: Uncertain significance. Last evaluated: 2022-08-24. Review status: criteria provided, single submitter. Criteria: Invitae Variant Classification Sherloc (09022015). Collection method: clinical testing. Allele origin: germline.
Comment: This variant has not been reported in the literature in individuals affected with SETD5-related conditions. In summary, the available evidence is currently insufficient to determine the role of this variant in disease. Therefore, it has been classified as a Variant of Uncertain Significance. Algorithms developed to predict the effect of missense changes on protein structure and function (SIFT, PolyPhen-2, Align-GVGD) all suggest that this variant is likely to be tolerated. This variant is not present in population databases (gnomAD no frequency). This sequence change replaces serine, which is neutral and polar, with threonine, which is neutral and polar, at codon 477 of the SETD5 protein (p.Ser477Thr).

NM_001080517.3(SETD5):c.1430G>C (p.Ser477Thr)

Gene: SETD5 (SET domain containing 5; plus strand). Cytogenetic location: 3p25.3.
Variant type: single nucleotide variant.
Coding change: c.1430G>C on transcript NM_001080517.3 (MANE Select); coding-DNA position 1430, G replaced by C.
Protein change: p.Ser477Thr; replaces serine 477 with threonine.
Molecular consequence: missense variant.
Genome position (GRCh38, 1-based): chr3:9,445,290, G>C. VCF-style: chr3-9445290-G-C. GRCh37 (hg19) VCF-style: chr3-9486974-G-C.
Other names: c.1136G>C, p.Ser379Thr (NM_001292043.2, NM_001349451.2); short protein forms S379T, S477T.
Identifiers: ClinVar variation 1717956 (VCV001717956.5), dbSNP rs2041800155, ClinGen allele CA351693799.